The following is an entry in ClinVar:

NM_001010874.5(TECRL):c.742_758del (p.Arg248fs)

Gene: TECRL (trans-2,3-enoyl-CoA reductase like; minus strand). Cytogenetic location: 4q13.1.
Variant type: Deletion.
Coding change: c.742_758del on transcript NM_001010874.5 (MANE Select); coding-DNA positions 742 to 758, 17 bases deleted (AGGCAAATCACAGTATC).
Protein change: p.Arg248fs; shifts the reading frame from arginine 248.
Molecular consequence: frameshift variant.
Genome position (GRCh38, 1-based): chr4:64,299,990-64,300,006, GATACTGTGATTTGCCT deleted on the plus strand (AGGCAAATCACAGTATC on the coding strand, the reverse complement: TECRL is on the minus strand); deleting any 17 consecutive bases within chr4:64,299,990-64,300,007 gives the same sequence; the c. name uses the placement nearest the transcript's 3' end. VCF-style (leftmost placement, unchanged base first): chr4-64299989-AGATACTGTGATTTGCCT-A. GRCh37 (hg19) VCF-style: chr4-65165707-AGATACTGTGATTTGCCT-A.
Other names: c.742_758del, p.Arg248fs (NM_001363796.1); short protein forms R248fs.
Identifiers: ClinVar variation 1210126 (VCV001210126.3), dbSNP rs2109973501, ClinGen allele CA2499217330.

ClinVar aggregate classification (germline): Likely pathogenic (1 of 4 stars; one submission).

Conditions:
Catecholaminergic polymorphic ventricular tachycardia 3. Identifiers: Orphanet 3286, MedGen C3151463, MONDO:0013529, OMIM 614021.

Submission:

Molecular and Cytogenetics Laboratory, Americain University of Beirut Medical Center
Classification: Likely pathogenic for Catecholaminergic polymorphic ventricular tachycardia 3. Last evaluated: 2021-08-05. Review status: criteria provided, single submitter. Criteria: ACMG guidelines. Collection method: clinical testing. Allele origin: inherited, unknown. Inheritance: Autosomal recessive inheritance. Affected: yes and no. Observed: 4 variant alleles, 2 heterozygotes, 2 homozygotes. Clinical features observed: Syncope (HP:0001279), Ventricular tachycardia (HP:0004756), Prolonged QT interval (HP:0001657), Sudden death (HP:0001699).
Comment: To date, the Arg248Cysfs*8 variant in TECRL has never been reported as a pathogenic variant in the medical literature. No molecular or tissue autopsy done for any of the deceased victims. The variant was detected in the homozygous state in the 2 probands and in heterozygosity in each of the consanguineous parents (both asymptomatic, normal cardiac workup), suggesting an autosomal recessive inheritance. This variant creates a shift in the reading frame starting at codon 248. The new reading frame ends in a stop codon 8 positions downstream. This variant is absent in general population databases (gnomAD, 1000 Genomes Project and ExAC). Pathogenic variants in the TECRL gene are known to be associated with autosomal recessive CPVT type 3, characterized by overlapping characteristics of Long QT and CPVT (Devalla 2016, Bhuiyan 2007, Xie 2019). In summary, the Arg248Cysfs*8 variant meets the criteria to be classified as â€œLikely pathogenicâ€ according to ACMG guidelines.

Literature cited by the submitters: PubMed 27861123; PubMed 30790670; PubMed 17666061.